The following continues an entry in ClinVar:

NM_000059.4(BRCA2):c.6591_6592del (p.Glu2198fs)

Gene: BRCA2. ClinVar aggregate classification (germline): Pathogenic. Pathogenic (1).

Submissions 10 to 27 of 37:

Institute of Human Genetics, University of Leipzig Medical Center
Classification: Pathogenic for Breast-ovarian cancer, familial, susceptibility to, 1. Last evaluated: 2024-10-14. Review status: criteria provided, single submitter. Criteria: ACMG Guidelines, 2015. Collection method: clinical testing. Allele origin: unknown. Inheritance: Autosomal dominant inheritance. Affected: yes. Not counted in ClinVar's aggregate classification.
Comment: Criteria applied: PVS1,PM5_STR,PM2_SUP

Institute of Immunology and Genetics Kaiserslautern
Classification: Pathogenic for Breast-ovarian cancer, familial, susceptibility to, 1. Last evaluated: 2024-10-10. Review status: criteria provided, single submitter. Criteria: ACMG Guidelines, 2015. Collection method: clinical testing. Allele origin: germline. Affected: no. Not counted in ClinVar's aggregate classification.
Comment: ACMG Criteria: PVS1, PM2, PP5_m; Variant was found in heterozygous state

Baylor Genetics
Classification: Pathogenic for Familial cancer of breast. Last evaluated: 2024-01-31. Review status: criteria provided, single submitter. Criteria: ACMG Guidelines, 2015. Collection method: clinical testing. Allele origin: unknown. Not counted in ClinVar's aggregate classification.

KCCC/NGS Laboratory, Kuwait Cancer Control Center
Classification: Pathogenic for Breast-ovarian cancer, familial, susceptibility to, 2. Last evaluated: 2023-06-15. Review status: criteria provided, single submitter. Criteria: ACMG Guidelines, 2015. Collection method: clinical testing. Allele origin: germline. Inheritance: Autosomal dominant inheritance. Affected: no. Observed: 1 heterozygote. Not counted in ClinVar's aggregate classification.
Comment: This sequence change creates a premature translational stop signal (p.Glu2198Asnfs*4) in the BRCA2 gene. It is expected to result in an absent or disrupted protein product. Loss-of-function variants in BRCA2 are known to be pathogenic (PMID: 20104584). This variant is present in population databases (rs80359605, gnomAD 0.003%). This premature translational stop signal has been observed in individual(s) with breast, ovarian, and prostate cancer (PMID: 8524414, 16683254, 20736950, 21324516, 23569316, 26187060, 26219728). It has also been observed to segregate with disease in related individuals. This variant is also known as 6819delTG. ClinVar contains an entry for this variant (Variation ID: 9319). Therefore, this variant has been classified as Pathogenic.

Institute of Human Genetics, University of Leipzig Medical Center
Classification: Pathogenic for Breast-ovarian cancer, familial, susceptibility to, 2. Last evaluated: 2023-05-26. Review status: criteria provided, single submitter. Criteria: ACMG Guidelines, 2015. Collection method: clinical testing. Allele origin: unknown. Inheritance: Autosomal dominant inheritance. Affected: yes. Not counted in ClinVar's aggregate classification.
Comment: Criteria applied: PVS1,PS4,PM2_SUP

Human Genetics Bochum, Ruhr University Bochum
Classification: Pathogenic for Breast-ovarian cancer, familial, susceptibility to, 2. Last evaluated: 2022-04-07. Review status: criteria provided, single submitter. Criteria: ACMG Guidelines, 2015. Collection method: clinical testing. Allele origin: germline. Affected: yes. Not counted in ClinVar's aggregate classification.
Comment: ACMG criteria used to clasify this variant: PVS1, PM2, PM1

MGZ Medical Genetics Center
Classification: Pathogenic for Familial prostate cancer. Last evaluated: 2022-04-01. Review status: criteria provided, single submitter. Criteria: ACMG Guidelines, 2015. Collection method: clinical testing. Allele origin: germline. Affected: yes. Observed: 1 variant allele. Not counted in ClinVar's aggregate classification.
Comment: ACMG criteria applied: PVS1, PS4_MOD, PM2_SUP, PP1

Women's Health and Genetics/Laboratory Corporation of America, LabCorp
Classification: Pathogenic for Hereditary breast ovarian cancer syndrome. Last evaluated: 2021-02-19. Review status: criteria provided, single submitter. Criteria: LabCorp Variant Classification Summary - May 2015. Collection method: clinical testing. Allele origin: germline. Not counted in ClinVar's aggregate classification.
Comment: Variant summary: BRCA2 c.6591_6592delTG (p.Glu2198AsnfsX4) results in a premature termination codon, predicted to cause a truncation of the encoded protein or absence of the protein due to nonsense mediated decay, which are commonly known mechanisms for disease. Truncations downstream of this position have been classified as pathogenic by our laboratory. The variant allele was found at a frequency of 4.1e-06 in 246418 control chromosomes (gnomAD). c.6591_6592delTG has been reported in the literature in multiple individuals affected with Hereditary Breast And Ovarian Cancer Syndrome (e.g. Gayther_1997, Meindl_2002, Nedelcu_2002, Risch_2006, Zhang_2012). These data indicate that the variant is very likely to be associated with disease. To our knowledge, no experimental evidence demonstrating an impact on protein function has been reported. 17 other ClinVar submitters (including 2 expert panels) have evaluated the variant after 2014 and cited it as pathogenic. Based on the evidence outlined above, the variant was classified as pathogenic.

Sema4
Classification: Pathogenic for Hereditary cancer-predisposing syndrome. Last evaluated: 2021-02-10. Review status: criteria provided, single submitter. Criteria: Sema4 Curation Guidelines. Collection method: curation. Allele origin: germline. Not counted in ClinVar's aggregate classification.
Comment: The BRCA2 c.6591_6592delTG p.E2198NfsX4 variant has been reported in heterozygosity in numerous individuals with breast, ovarian, pancreatic, and prostate cancers (PMID: 8988179, 11802209, 12569143, 27433846, 21614564). It is a well-established pathogenic variant that is also known as 6819delTG in the literature. This variant causes a frameshift at amino acid 2198 that results in premature termination 4 amino acids downstream. At this location, this is predicted to cause nonsense-mediated decay and result in an absent protein (loss of function). Loss of function variants in BRCA2 gene are known to be pathogenic (PMID: 29446198). This variant was observed in 1/29,204 chromosomes in the South Asian population, according to the Genome Aggregation Database (PMID: 32461654). This variant has been classified as pathogenic by a ClinGen-approved expert panel. Based on the current evidence available, this variant is interpreted as pathogenic.

GeneDx
Classification: Pathogenic. Last evaluated: 2020-11-11. Review status: criteria provided, single submitter. Criteria: GeneDx Variant Classification Process June 2021. Collection method: clinical testing. Allele origin: germline. Affected: yes. Not counted in ClinVar's aggregate classification.
Comment: Frameshift variant predicted to result in protein truncation or nonsense mediated decay in a gene for which loss-of-function is a known mechanism of disease; Observed in individuals with a personal or family history consistent with pathogenic variants in this gene (Wooster 1995, White 2001, Edwards 2010, Zhang 2011, Zhang 2012, Pritchard 2016, Pritzlaff 2017); Not observed at a significant frequency in large population cohorts (Lek 2016); Truncating variants in this gene are considered pathogenic by a well-established clinical consortium and/or database; Also known as c.6819_6820delTG; This variant is associated with the following publications: (PMID: 27225637, 18182994, 28687356, 28008555, 11938448, 16683254, 17148771, 8988179, 29339979, 8524414, 21324516, 20736950, 11267991, 23318652, 21614564, 26219728, 12672316, 29371908, 11802209, 28724667, 23569316, 26187060, 25395318, 30078507, 30720243, 30702160, 30113427, 30199306, 31957001, 27433846, 32489267)

Institute of Medical Genetics and Applied Genomics, University Hospital Tübingen
Classification: Pathogenic. Last evaluated: 2020-10-23. Review status: criteria provided, single submitter. Criteria: ACMG Guidelines, 2015. Collection method: clinical testing. Allele origin: germline. Inheritance: Unknown mechanism. Affected: yes. Not counted in ClinVar's aggregate classification.

GeneKor MSA
Classification: Pathogenic. Last evaluated: 2020-01-01. Review status: criteria provided, single submitter. Criteria: ACMG Guidelines, 2015. Collection method: clinical testing. Allele origin: germline. Not counted in ClinVar's aggregate classification.
Comment: This sequence change deletes two nucleotides in exon 11 of the BRCA2 mRNA, causing a frameshift at codon 2198 and the creation of a premature translational stop signal 4 amino acid residues later. It is expected to result in an absent or disrupted protein product. This mutation has been described in individuals affected by breast, ovarian, and prostate cancer (PMID: 31043710, 26187060, 23569316). The mutation database contains entries for this variant (variation ID: 9319).

Mendelics
Classification: Pathogenic for Hereditary breast and ovarian cancer syndrome. Last evaluated: 2018-07-02. Review status: criteria provided, single submitter. Criteria: Mendelics Assertion Criteria 2017. Collection method: clinical testing. Allele origin: unknown. Not counted in ClinVar's aggregate classification.

PreventionGenetics, part of Exact Sciences
Classification: Pathogenic. Last evaluated: 2017-11-15. Review status: criteria provided, single submitter. Criteria: ACMG Guidelines, 2015. Collection method: clinical testing. Allele origin: germline. Not counted in ClinVar's aggregate classification.

Department of Pathology and Molecular Medicine, Queen's University
Classification: Pathogenic for Hereditary breast ovarian cancer syndrome. Last evaluated: 2017-04-20. Review status: criteria provided, single submitter. Criteria: ACMG Guidelines, 2015. Collection method: clinical testing. Allele origin: germline. Study: The Canadian Open Genetics Repository (COGR). Not counted in ClinVar's aggregate classification.

CHEO Genetics Diagnostic Laboratory, Children's Hospital of Eastern Ontario
Classification: Pathogenic for Breast and/or ovarian cancer. Last evaluated: 2016-03-03. Review status: criteria provided, single submitter. Criteria: ACMG Guidelines, 2015. Collection method: clinical testing. Allele origin: germline. Study: Canadian Open Genetics Repository. Not counted in ClinVar's aggregate classification.

Department of Medical Genetics, Oslo University Hospital
Classification: Pathogenic for Breast-ovarian cancer, familial, susceptibility to, 2. Last evaluated: 2016-01-26. Review status: criteria provided, single submitter. Criteria: ACMG Guidelines, 2015. Collection method: clinical testing. Allele origin: germline. Affected: yes. Observed: 3 variant alleles. Not counted in ClinVar's aggregate classification.

Consortium of Investigators of Modifiers of BRCA1/2 (CIMBA), c/o University of Cambridge
Classification: Pathogenic for Breast-ovarian cancer, familial, susceptibility to, 2. Last evaluated: 2015-10-02. Review status: criteria provided, single submitter. Criteria: CIMBA Mutation Classification guidelines May 2016. Collection method: clinical testing. Allele origin: germline. Not counted in ClinVar's aggregate classification.